The following is an entry in ClinVar:

NM_014271.4(IL1RAPL1):c.1997C>G (p.Ser666Trp)

Gene: IL1RAPL1 (interleukin 1 receptor accessory protein like 1; plus strand). Cytogenetic location: Xp21.2.
Variant type: single nucleotide variant.
Coding change: c.1997C>G on transcript NM_014271.4 (MANE Select); coding-DNA position 1997, C replaced by G.
Protein change: p.Ser666Trp; replaces serine 666 with tryptophan.
Molecular consequence: missense variant.
Genome position (GRCh38, 1-based): chrX:29,955,726, C>G. VCF-style: chrX-29955726-C-G. GRCh37 (hg19) VCF-style: chrX-29973843-C-G.
Other names: short protein forms S666W.
Identifiers: ClinVar variation 1803373 (VCV001803373.2), dbSNP rs2518941628, ClinGen allele CA412635508.

ClinVar aggregate classification (germline): Uncertain significance (1 of 4 stars; one submission).

Submission:

GeneDx
Classification: Uncertain significance. Last evaluated: 2025-04-22. Review status: criteria provided, single submitter. Criteria: GeneDx Variant Classification Process June 2021. Collection method: clinical testing. Allele origin: germline.
Comment: Not observed at significant frequency in large population cohorts (gnomAD); In silico analysis indicates that this missense variant does not alter protein structure/function; Has not been previously published as pathogenic or benign to our knowledge